The following is an entry in ClinVar:

NM_001852.4(COL9A2):c.1433G>A (p.Gly478Asp)

Gene: COL9A2 (collagen type IX alpha 2 chain; minus strand). Cytogenetic location: 1p34.2.
Variant type: single nucleotide variant.
Coding change: c.1433G>A on transcript NM_001852.4 (MANE Select); coding-DNA position 1433, G replaced by A.
Protein change: p.Gly478Asp; replaces glycine 478 with aspartic acid.
Molecular consequence: missense variant.
Genome position (GRCh38, 1-based): chr1:40,303,645, C>T on the plus strand (G>A on the coding strand, the complement: COL9A2 is on the minus strand). VCF-style: chr1-40303645-C-T. GRCh37 (hg19) VCF-style: chr1-40769317-C-T.
Other names: short protein forms G478D.
Identifiers: ClinVar variation 1895742 (VCV001895742.6), dbSNP rs1470272705, ClinGen allele CA339878723.

ClinVar aggregate classification (germline): Uncertain significance. Review status: criteria provided, multiple submitters, no conflicts (2 of 4 stars). 2 submissions from 2 submitters: Uncertain significance (2). Last evaluated 2024-05-20.

Allele frequency attached by ClinVar (database versions not stated): TOPMed below 0.00001; gnomAD exomes 0.00002.
gnomAD v4.1: 26 of 1,584,506 alleles (0.0016%); highest among the groups gnomAD compares: Non-Finnish European, 0.0018%; no homozygotes.

Submissions (2):

Labcorp Genetics (formerly Invitae), Labcorp
Classification: Uncertain significance. Last evaluated: 2024-05-20. Review status: criteria provided, single submitter. Criteria: Invitae Variant Classification Sherloc (09022015). Collection method: clinical testing. Allele origin: germline.
Comment: This sequence change replaces glycine, which is neutral and non-polar, with aspartic acid, which is acidic and polar, at codon 478 of the COL9A2 protein (p.Gly478Asp). This variant is present in population databases (no rsID available, gnomAD 0.01%). This variant has not been reported in the literature in individuals affected with COL9A2-related conditions. ClinVar contains an entry for this variant (Variation ID: 1895742). Advanced modeling of protein sequence and biophysical properties (such as structural, functional, and spatial information, amino acid conservation, physicochemical variation, residue mobility, and thermodynamic stability) performed at Invitae indicates that this missense variant is expected to disrupt COL9A2 protein function with a positive predictive value of 95%. In summary, the available evidence is currently insufficient to determine the role of this variant in disease. Therefore, it has been classified as a Variant of Uncertain Significance.

Blueprint Genetics
Classification: Uncertain significance. Last evaluated: 2022-11-07. Review status: criteria provided, single submitter. Criteria: ACMG Guidelines, 2015. Collection method: clinical testing. Allele origin: germline.